The following is an entry in ClinVar:

NM_000051.4(ATM):c.6524G>C (p.Arg2175Thr)

Genes: ATM (ATM serine/threonine kinase; plus strand), C11orf65 (chromosome 11 open reading frame 65; minus strand). Cytogenetic location: 11q22.3.
Variant type: single nucleotide variant.
Coding change: c.6524G>C on transcript NM_000051.4 (MANE Select); coding-DNA position 6524, G replaced by C.
Protein change: p.Arg2175Thr; replaces arginine 2175 with threonine.
Molecular consequence: missense variant. On other transcripts: intron variant (2).
Genome position (GRCh38, 1-based): chr11:108,321,372, G>C. VCF-style: chr11-108321372-G-C. GRCh37 (hg19) VCF-style: chr11-108192099-G-C.
Other names: c.6524G>C, p.Arg2175Thr (NM_001351834.2); c.641-12301C>G (NM_001330368.2); c.*39-12301C>G (NM_001351110.2); short protein forms R2175T.
Identifiers: ClinVar variation 1462027 (VCV001462027.7), dbSNP rs1555117188, ClinGen allele CA382554191.

ClinVar aggregate classification (germline): Uncertain significance (1 of 4 stars; one submission).

Conditions:
Ataxia-telangiectasia syndrome (AT). Also called: LOUIS-BAR SYNDROME; Cerebello-oculocutaneous telangiectasia; Immunodeficiency with ataxia telangiectasia; Ataxia telangiectasia (A-T); Ataxia-telangiectasia, complementation group D; AT, COMPLEMENTATION GROUP C. Identifiers: Orphanet 100, MedGen C0004135, MONDO:0008840, OMIM 208900.

Submission:

Labcorp Genetics (formerly Invitae), Labcorp
Classification: Uncertain significance for Ataxia-telangiectasia syndrome. Last evaluated: 2021-08-30. Review status: criteria provided, single submitter. Criteria: Invitae Variant Classification Sherloc (09022015). Collection method: clinical testing. Allele origin: germline.
Comment: This variant has not been reported in the literature in individuals affected with ATM-related conditions. Advanced modeling of protein sequence and biophysical properties (such as structural, functional, and spatial information, amino acid conservation, physicochemical variation, residue mobility, and thermodynamic stability) performed at Invitae indicates that this missense variant is not expected to disrupt ATM protein function. In summary, the available evidence is currently insufficient to determine the role of this variant in disease. Therefore, it has been classified as a Variant of Uncertain Significance. This variant is not present in population databases (ExAC no frequency). This sequence change replaces arginine with threonine at codon 2175 of the ATM protein (p.Arg2175Thr). The arginine residue is moderately conserved and there is a moderate physicochemical difference between arginine and threonine.